The following is an entry in ClinVar:

ClinVar aggregate classification (germline): Uncertain significance (1 of 4 stars; one submission).

Submission:

Mayo Clinic Laboratories, Mayo Clinic
Classification: Uncertain significance. Last evaluated: 2025-10-21. Review status: criteria provided, single submitter. Criteria: ACMG Guidelines, 2015. Collection method: clinical testing. Allele origin: germline. Observed: 1 variant allele.
Comment: PM2_supporting

NM_013352.4(DSE):c.338G>A (p.Cys113Tyr)

Gene: DSE (dermatan sulfate epimerase; plus strand). Cytogenetic location: 6q22.1.
Variant type: single nucleotide variant.
Coding change: c.338G>A on transcript NM_013352.4 (MANE Select); coding-DNA position 338, G replaced by A.
Protein change: p.Cys113Tyr; replaces cysteine 113 with tyrosine.
Molecular consequence: missense variant. On other transcripts: 5 prime UTR variant (4), non-coding transcript variant (1).
Genome position (GRCh38, 1-based): chr6:116,399,588, G>A. VCF-style: chr6-116399588-G-A. GRCh37 (hg19) VCF-style: chr6-116720751-G-A.
Other names: p.Cys113Tyr; c.338G>A, p.Cys113Tyr (NM_001080976.3, NM_001322937.2, NM_001322938.2 and 3 more transcripts); c.395G>A, p.Cys132Tyr (NM_001322939.2); c.-220G>A (NM_001322940.2, NM_001322941.2); c.-563G>A (NM_001374520.1); c.-250G>A (NM_001374521.1); short protein forms C113Y, C132Y.
Identifiers: ClinVar variation 4541202 (VCV004541202.1).